The following is an entry in ClinVar:

NM_000532.5(PCCB):c.1217_1219delinsTAGA (p.Gly406fs)

Gene: PCCB (propionyl-CoA carboxylase subunit beta; plus strand). Cytogenetic location: 3q22.3.
Variant type: Indel.
Coding change: c.1217_1219delinsTAGA on transcript NM_000532.5 (MANE Select); coding-DNA positions 1217 to 1219, GGG replaced by TAGA.
Protein change: p.Gly406fs; shifts the reading frame from glycine 406.
Molecular consequence: frameshift variant.
Genome position (GRCh38, 1-based): chr3:136,327,173-136,327,175, GGG replaced by TAGA. VCF-style: chr3-136327173-GGG-TAGA. GRCh37 (hg19) VCF-style: chr3-136046015-GGG-TAGA.
Other names: c.1277_1279delinsTAGA, p.Gly426fs (NM_001178014.2); short protein forms G406fs, G426fs.
Identifiers: ClinVar variation 2501088 (VCV002501088.1), dbSNP rs2529972010, ClinGen allele CA2580615975.

ClinVar aggregate classification (germline): Likely pathogenic (1 of 4 stars; one submission).

Conditions:
Propionic acidemia (PROP). Also called: GLYCINEMIA, KETOTIC; HYPERGLYCINEMIA WITH KETOACIDOSIS AND LEUKOPENIA; KETOTIC HYPERGLYCINEMIA. Identifiers: Orphanet 35, MedGen C0268579, MONDO:0011628, OMIM 606054, HP:0003571.

Submission:

Women's Health and Genetics/Laboratory Corporation of America, LabCorp
Classification: Likely pathogenic for Propionic acidemia. Last evaluated: 2023-03-16. Review status: criteria provided, single submitter. Criteria: LabCorp Variant Classification Summary - May 2015. Collection method: clinical testing. Allele origin: germline.
Comment: Variant summary: PCCB c.1217_1219delinsTAGA (p.Gly406ValfsX16) results in a premature termination codon, predicted to cause a truncation of the encoded protein or absence of the protein due to nonsense mediated decay, which are commonly known mechanisms for disease. Truncations downstream of this position have been classified as pathogenic by our laboratory. The variant was absent in 282406 control chromosomes. To our knowledge, no occurrence of c.1217_1219delinsTAGA in individuals affected with Propionic Acidemia and no experimental evidence demonstrating its impact on protein function have been reported. No clinical diagnostic laboratories have submitted clinical-significance assessments for this variant to ClinVar after 2014. Based on the evidence outlined above, the variant was classified as likely pathogenic.